The following is an entry in ClinVar:

NM_000349.3(STAR):c.814C>T (p.Arg272Cys)

Gene: STAR (steroidogenic acute regulatory protein; minus strand). Cytogenetic location: 8p11.23.
Variant type: single nucleotide variant.
Coding change: c.814C>T on transcript NM_000349.3 (MANE Select); coding-DNA position 814, C replaced by T.
Protein change: p.Arg272Cys; replaces arginine 272 with cysteine.
Molecular consequence: missense variant.
Genome position (GRCh38, 1-based): chr8:38,144,317, G>A on the plus strand (C>T on the coding strand, the complement: STAR is on the minus strand). VCF-style: chr8-38144317-G-A. GRCh37 (hg19) VCF-style: chr8-38001835-G-A.
Other names: short protein forms R272C.
Identifiers: ClinVar variation 550766 (VCV000550766.14), dbSNP rs751759820, ClinGen allele CA4715127.

ClinVar aggregate classification (germline): Pathogenic/Likely pathogenic. Review status: criteria provided, multiple submitters, no conflicts (2 of 4 stars). 4 submissions from 4 submitters: Pathogenic (3); Likely pathogenic (1). Last evaluated 2026-01-20.

Conditions:
Congenital lipoid adrenal hyperplasia due to STAR deficency. Also called: Congenital Lipoid Adrenal Hyperplasia; ADRENAL HYPERPLASIA I; Lipoid adrenal hyperplasia; Cholesterol monooxygenase (side-chain cleaving) deficiency. Identifiers: Orphanet 418, Orphanet 90790, MedGen C0342474, MONDO:0008725, OMIM 201710.

Allele frequency attached by ClinVar (database versions not stated): gnomAD 0.00002; gnomAD exomes 0.00002; TOPMed 0.00002; ExAC 0.00001.
gnomAD v4.1: 22 of 1,609,784 alleles (0.0014%); highest among the groups gnomAD compares: Admixed American, 0.013%; no homozygotes.

Submissions (4):

Natera, Inc.
Classification: Pathogenic for Congenital lipoid adrenal hyperplasia. Last evaluated: 2026-01-20. Review status: criteria provided, single submitter. Criteria: Natera Variant Classification Schema (03/2026). Collection method: clinical testing. Allele origin: germline.
Comment: The c.814C>T variant in STAR is a missense variant predicted to cause substitution of arginine to cysteine at amino acid 272. This variant is rare in the general population with a frequency below the threshold expected for the associated phenotype(s). This variant has been observed in one or more individuals affected with the associated recessive disease, as either homozygous or compound heterozygous with a second variant (PMID: 34823514, 28546232, 36159444). Computational prediction algorithms indicate this variant is likely to affect gene or protein function. Given the available evidence, this variant is classified as Pathogenic.

Labcorp Genetics (formerly Invitae), Labcorp
Classification: Pathogenic. Last evaluated: 2023-12-19. Review status: criteria provided, single submitter. Criteria: Invitae Variant Classification Sherloc (09022015). Collection method: clinical testing. Allele origin: germline.
Comment: This sequence change replaces arginine, which is basic and polar, with cysteine, which is neutral and slightly polar, at codon 272 of the STAR protein (p.Arg272Cys). The frequency data for this variant in the population databases is considered unreliable, as metrics indicate poor data quality at this position in the gnomAD database. This missense change has been observed in individuals with clinical features of lipoid adrenal hyperplasia (PMID: 28546232, 30476142). ClinVar contains an entry for this variant (Variation ID: 550766). Advanced modeling of protein sequence and biophysical properties (such as structural, functional, and spatial information, amino acid conservation, physicochemical variation, residue mobility, and thermodynamic stability) performed at Invitae indicates that this missense variant is expected to disrupt STAR protein function with a positive predictive value of 80%. Experimental studies have shown that this missense change affects STAR function (PMID: 31286101). This variant disrupts the p.Arg272 amino acid residue in STAR. Other variant(s) that disrupt this residue have been determined to be pathogenic (PMID: 28467518). This suggests that this residue is clinically significant, and that variants that disrupt this residue are likely to be disease-causing. For these reasons, this variant has been classified as Pathogenic.

Myriad Genetics, Inc.
Classification: Likely pathogenic for Congenital lipoid adrenal hyperplasia due to STAR deficency. Last evaluated: 2021-10-27. Review status: criteria provided, single submitter. Criteria: Myriad Women's Health Autosomal Recessive and X-Linked Classification Criteria (2021). Collection method: clinical testing. Allele origin: unknown.
Comment: NM_000349.2(STAR):c.814C>T(R272C) is a missense variant classified as likely pathogenic in the context of lipoid congenital adrenal hyperplasia. Please note that R272C may be associated with a mild or non-classical form of lipoid congenital adrenal hyperplasia. R272C has been observed in cases with relevant disease (PMID: 28546232). Functional assessments of this variant are available in the literature (PMID: 31286101). Internal structural analysis of the variant is supportive of pathogenicity. R272C has been observed in population frequency databases (gnomAD: AMR 0.01%). In summary, NM_000349.2(STAR):c.814C>T(R272C) is a missense variant that has internal structural support for pathogenicity and has been observed more frequently in cases with the relevant disease than in healthy populations. Please note: this variant was assessed in the context of healthy population screening.

Juno Genomics, Hangzhou Juno Genomics, Inc
Classification: Pathogenic for Congenital lipoid adrenal hyperplasia due to STAR deficency. Review status: criteria provided, single submitter. Criteria: ACMG Guidelines, 2015. Collection method: clinical testing. Allele origin: germline. Affected: yes.
Comment: Absent from controls (or at extremely low frequency if recessive) in Genome Aggregation Database.;Multiple lines of computational evidence support a deleterious effect on the gene or gene product.;For recessive disorders, detected in trans with a pathogenic variant.

Literature cited by the submitters: PubMed 34823514 (cited by Natera, Inc.); PubMed 28546232 (cited by 3 submitters); PubMed 36159444 (cited by Natera, Inc.); PubMed 30476142 (cited by Labcorp Genetics (formerly Invitae), Labcorp); PubMed 31286101 (cited by Labcorp Genetics (formerly Invitae), Labcorp and Myriad Genetics, Inc.); PubMed 28467518 (cited by Labcorp Genetics (formerly Invitae), Labcorp).